The following is an entry in ClinVar:

NM_002206.3(ITGA7):c.2003+6G>C

Gene: ITGA7 (integrin subunit alpha 7; minus strand). Cytogenetic location: 12q13.2.
Variant type: single nucleotide variant.
Coding change: c.2003+6G>C on transcript NM_002206.3 (MANE Select); 6 bases into the intron after coding-DNA position 2003, G replaced by C.
Molecular consequence: intron variant.
Genome position (GRCh38, 1-based): chr12:55,695,516, C>G on the plus strand (G>C on the coding strand, the complement: ITGA7 is on the minus strand). VCF-style: chr12-55695516-C-G. GRCh37 (hg19) VCF-style: chr12-56089300-C-G.
Other names: c.1724+6G>C (NM_001144997.2); c.1676+6G>C (NM_001367993.1); c.1664+6G>C (NM_001414035.1); c.1820+6G>C (NM_001414033.1); c.659+6G>C (NM_001367994.1); c.1883+6G>C (NM_001414032.1); c.1916+6G>C (NM_001414031.1); c.1985+6G>C (NM_001374465.1); and 5 more.
Identifiers: ClinVar variation 1402711 (VCV001402711.3), dbSNP rs577585789, ClinGen allele CA237569944.
Genomic context (GRCh38, chr12:55,695,516, plus strand): 5'-GAGGGCTTTCTCTCAATCCTTGAACTCTTGCCCTCCCACCCCCACCCTGCTCTCTGCCCC[C>G]CTCACATGGGCAGAGGTTGGAATTCCGTGTCGCTGACCCGGGTACAGAAGCGGGCGCGGA-3'

ClinVar aggregate classification (germline): Uncertain significance (1 of 4 stars; one submission).

Conditions:
Congenital muscular dystrophy due to integrin alpha-7 deficiency. Also called: MYOPATHY, CONGENITAL, DUE TO INTEGRIN ALPHA-7 DEFICIENCY; Congenital muscular dystrophy with integrin alpha-7 deficiency; Muscular dystrophy, congenital, due to ITGA7 deficiency. Identifiers: Orphanet 34520, MedGen C2750786, MONDO:0013177, OMIM 613204.

Allele frequency attached by ClinVar (database versions not stated): gnomAD exomes below 0.00001; gnomAD 0.00001 and 0.00002; TOPMed 0.00004; 1000 Genomes Project 0.00020; 1000 Genomes Project 30x 0.00031.
gnomAD v4.1: 9 of 1,563,308 alleles (0.00058%); highest among the groups gnomAD compares: Admixed American, 0.015%; no homozygotes.

Submission:

Labcorp Genetics (formerly Invitae), Labcorp
Classification: Uncertain significance for Congenital muscular dystrophy due to integrin alpha-7 deficiency. Last evaluated: 2022-03-08. Review status: criteria provided, single submitter. Criteria: Invitae Variant Classification Sherloc (09022015). Collection method: clinical testing. Allele origin: germline.
Comment: This sequence change falls in intron 14 of the ITGA7 gene. It does not directly change the encoded amino acid sequence of the ITGA7 protein. It affects a nucleotide within the consensus splice site. This variant is not present in population databases (gnomAD no frequency). This variant has not been reported in the literature in individuals affected with ITGA7-related conditions. Variants that disrupt the consensus splice site are a relatively common cause of aberrant splicing (PMID: 17576681, 9536098). Algorithms developed to predict the effect of sequence changes on RNA splicing suggest that this variant may disrupt the consensus splice site. In summary, the available evidence is currently insufficient to determine the role of this variant in disease. Therefore, it has been classified as a Variant of Uncertain Significance.

Literature cited by the submitters: PubMed 17576681; PubMed 9536098.